The following is an entry in ClinVar:

ClinVar aggregate classification (germline): Uncertain significance. Review status: criteria provided, multiple submitters, no conflicts (2 of 4 stars). 2 submissions from 2 submitters: Uncertain significance (2). Last evaluated 2025-12-08.

Conditions:
Hereditary cancer-predisposing syndrome. Also called: Neoplastic Syndromes, Hereditary; Hereditary Cancer Syndrome; Tumor predisposition; Hereditary neoplastic syndrome. Identifiers: Orphanet 140162, MedGen C0027672, MeSH D009386, MONDO:0015356.
Familial cancer of breast. Also called: Hereditary breast cancer; BREAST CANCER, FAMILIAL; hereditary breast carcinoma. Identifiers: Orphanet 227535, MedGen C0346153, MONDO:0016419, OMIM 114480. Disease mechanism: loss of function.

Submissions (2):

Ambry Genetics
Classification: Uncertain significance for Hereditary cancer-predisposing syndrome. Last evaluated: 2025-12-08. Review status: criteria provided, single submitter. Criteria: Ambry Variant Classification Scheme 2023. Collection method: clinical testing. Allele origin: germline.
Comment: The p.E429A variant (also known as c.1286A>C), located in coding exon 4 of the BARD1 gene, results from an A to C substitution at nucleotide position 1286. The glutamic acid at codon 429 is replaced by alanine, an amino acid with dissimilar properties. This amino acid position is highly conserved in available vertebrate species. In addition, the in silico prediction for this alteration is inconclusive. Based on the available evidence, the clinical significance of this variant remains unclear.

Labcorp Genetics (formerly Invitae), Labcorp
Classification: Uncertain significance for Familial cancer of breast. Last evaluated: 2025-04-08. Review status: criteria provided, single submitter. Criteria: Invitae Variant Classification Sherloc (09022015). Collection method: clinical testing. Allele origin: germline.
Comment: This sequence change replaces glutamic acid, which is acidic and polar, with alanine, which is neutral and non-polar, at codon 429 of the BARD1 protein (p.Glu429Ala). This variant is not present in population databases (gnomAD no frequency). This variant has not been reported in the literature in individuals affected with BARD1-related conditions. ClinVar contains an entry for this variant (Variation ID: 1374701). An algorithm developed to predict the effect of missense changes on protein structure and function (PolyPhen-2) suggests that this variant is likely to be disruptive. In summary, the available evidence is currently insufficient to determine the role of this variant in disease. Therefore, it has been classified as a Variant of Uncertain Significance.

NM_000465.4(BARD1):c.1286A>C (p.Glu429Ala)

Gene: BARD1 (BRCA1 associated RING domain 1; minus strand). Cytogenetic location: 2q35.
Variant type: single nucleotide variant.
Coding change: c.1286A>C on transcript NM_000465.4 (MANE Select); coding-DNA position 1286, A replaced by C.
Protein change: p.Glu429Ala; replaces glutamic acid 429 with alanine.
Molecular consequence: missense variant. On other transcripts: non-coding transcript variant (2), intron variant (3).
Genome position (GRCh38, 1-based): chr2:214,780,588, T>G on the plus strand (A>C on the coding strand, the complement: BARD1 is on the minus strand). VCF-style: chr2-214780588-T-G. GRCh37 (hg19) VCF-style: chr2-215645312-T-G.
Other names: c.1229A>C, p.Glu410Ala (NM_001282543.2); c.159-28033A>C (NM_001282548.2); c.215+16473A>C (NM_001282545.2); c.364+11709A>C (NM_001282549.2); c.1286A>C (NM_000465.2); short protein forms E410A, E429A.
Identifiers: ClinVar variation 1374701 (VCV001374701.8), dbSNP rs1559423277, ClinGen allele CA350453375.